The following is an entry in ClinVar:

NM_005120.3(MED12):c.1009C>T (p.Pro337Ser)

Gene: MED12 (mediator complex subunit 12; plus strand). Cytogenetic location: Xq13.1.
Variant type: single nucleotide variant.
Coding change: c.1009C>T on transcript NM_005120.3 (MANE Select); coding-DNA position 1009, C replaced by T.
Protein change: p.Pro337Ser; replaces proline 337 with serine.
Molecular consequence: missense variant.
Genome position (GRCh38, 1-based): chrX:71,121,724, C>T. VCF-style: chrX-71121724-C-T. GRCh37 (hg19) VCF-style: chrX-70341574-C-T.
Other names: short protein forms P337S.
Identifiers: ClinVar variation 2718897 (VCV002718897.3), dbSNP rs2519668528, ClinGen allele CA413504965.

ClinVar aggregate classification (germline): Uncertain significance (1 of 4 stars; one submission).

Conditions:
FG syndrome (FGS). Identifiers: MedGen C0220769, MONDO:0002010.

Submission:

Labcorp Genetics (formerly Invitae), Labcorp
Classification: Uncertain significance for FG syndrome. Last evaluated: 2023-06-18. Review status: criteria provided, single submitter. Criteria: Invitae Variant Classification Sherloc (09022015). Collection method: clinical testing. Allele origin: germline.
Comment: In summary, the available evidence is currently insufficient to determine the role of this variant in disease. Therefore, it has been classified as a Variant of Uncertain Significance. Advanced modeling of protein sequence and biophysical properties (such as structural, functional, and spatial information, amino acid conservation, physicochemical variation, residue mobility, and thermodynamic stability) performed at Invitae indicates that this missense variant is not expected to disrupt MED12 protein function. This variant has not been reported in the literature in individuals affected with MED12-related conditions. This variant is not present in population databases (gnomAD no frequency). This sequence change replaces proline, which is neutral and non-polar, with serine, which is neutral and polar, at codon 337 of the MED12 protein (p.Pro337Ser).